The following is an entry in ClinVar:

NC_000019.10:g.40285364_40285377dup

Genes: AKT2 (AKT serine/threonine kinase 2; minus strand), LOC130064449 (ATAC-STARR-seq lymphoblastoid silent region 10619; plus strand). Cytogenetic location: 19q13.2.
Variant type: Duplication.
Genome position: GRCh38 VCF-style: chr19-40285357-C-CGCCCCCTCCCCCCA. GRCh37 (hg19) VCF-style: chr19-40791264-C-CGCCCCCTCCCCCCA.
Identifiers: ClinVar variation 3234532 (VCV003234532.19), dbSNP rs1214040248, ClinGen allele CA633110972.
Genomic context (GRCh38, chr19:40,285,357, plus strand): 5'-GCGGCGGCGGCGACGCCTCCTCCGAGGCAGGCCCAACGGCTAGCACGGCGCGGCCCCCCC[C>CGCCCCCTCCCCCCA]GCCCCCTCCCCCCAGCCCCCGCTTACCGCCCCCTCCCACCCTCTGGACGGAAATACCGCC-3'

ClinVar aggregate classification (germline): Benign (1 of 4 stars; one submission).

Submission:

CeGaT Center for Human Genetics Tuebingen
Classification: Benign. Last evaluated: 2026-01-01. Review status: criteria provided, single submitter. Criteria: CeGaT Center For Human Genetics Tuebingen Variant Classification Criteria Version 2. Collection method: clinical testing. Allele origin: germline. Affected: yes. Observed: 2 variant alleles.
Comment: AKT2: BS1, BS2